The following is an entry in ClinVar:

NC_000016.10:g.(?_78278583)_(80589366_?)del

Genes: MAF (MAF bZIP transcription factor; minus strand), MAFTRR (MAF transcriptional regulator RNA; minus strand), DYNLRB2 (dynein light chain roadblock-type 2; plus strand), LINC01228 (long independently transcribed non-coding RNA 1228; minus strand), LINC01229 (long independently transcribed non-coding RNA 1229; plus strand) and 44 more. Cytogenetic location: 16q23.1-23.2.
Variant type: Deletion.
Identifiers: ClinVar variation 655227 (VCV000655227.2).

ClinVar aggregate classification (germline): Pathogenic (1 of 4 stars; one submission).

Conditions:
Cataract 21 multiple types. Also called: CATARACT 21, MULTIPLE TYPES, WITH MICROCORNEA; Cataract, congenital, cerulean type, 4; CATARACT 21, MULTIPLE TYPES, WITH OR WITHOUT MICROCORNEA; CATARACT 21, CERULEAN, WITH OR WITHOUT MICROCORNEA. Identifiers: Orphanet 91492, MedGen C1857768, MONDO:0012437, OMIM 610202.
Ayme-Gripp syndrome. Also called: Aymé-Gripp Syndrome. Identifiers: MedGen C1832812, MONDO:0010992, OMIM 601088.

Submission:

Labcorp Genetics (formerly Invitae), Labcorp
Classification: Pathogenic for Cataract 21, multiple types; Ayme-gripp syndrome. Last evaluated: 2018-10-01. Review status: criteria provided, single submitter. Criteria: Invitae Variant Classification Sherloc (09022015). Collection method: clinical testing. Allele origin: germline.
Comment: A gross deletion of the genomic region encompassing the full coding sequence of the MAF gene has been identified. The boundaries of this event are unknown as the deletion extends beyond the assayed region for this gene and therefore may encompass additional genes. For these reasons, this variant has been classified as Pathogenic.